The following is an entry in ClinVar:

ClinVar aggregate classification (germline): Pathogenic/Likely pathogenic. Review status: criteria provided, multiple submitters, no conflicts (2 of 4 stars). 2 submissions from 2 submitters: Pathogenic (1); Likely pathogenic (1). Last evaluated 2024-02-19.

Conditions:
Arthrogryposis multiplex congenita 6. Identifiers: MedGen C5543431, MONDO:0030281, OMIM 619334.
Nemaline myopathy 2 (NEM2). Also called: Nemaline myopathy 2, autosomal recessive. Identifiers: MedGen C1850569, MONDO:0009725, OMIM 256030.

Submissions (2):

Labcorp Genetics (formerly Invitae), Labcorp
Classification: Pathogenic for Nemaline myopathy 2. Last evaluated: 2024-02-19. Review status: criteria provided, single submitter. Criteria: Invitae Variant Classification Sherloc (09022015). Collection method: clinical testing. Allele origin: germline.
Comment: This variant occurs in a region of NEB (Exons 82-105) consisting of three highly homologous 8-exon repeat units (exons 82-89, exons 90-97, exons 98-105). Sequence variants in this region can be detected, but this assay cannot determine which of the three repeat units is affected, and zygosity is often ambiguous. All variants in this region are reported relative to the exon 82-89 repeat. This sequence change creates a premature translational stop signal (p.Tyr4391*) in the NEB gene. It is expected to result in an absent or disrupted protein product. Loss-of-function variants in NEB are known to be pathogenic (PMID: 25205138). The frequency data for this variant in the population databases (gnomAD) is considered unreliable due to the presence of homologous sequence, such as pseudogenes or paralogs, in the genome. This variant has not been reported in the literature in individuals affected with NEB-related conditions. ClinVar contains an entry for this variant (Variation ID: 1069703). For these reasons, this variant has been classified as Pathogenic.

Baylor Genetics
Classification: Likely pathogenic for Arthrogryposis multiplex congenita 6. Last evaluated: 2023-09-06. Review status: criteria provided, single submitter. Criteria: ACMG Guidelines, 2015. Collection method: clinical testing. Allele origin: unknown.

Literature cited by the submitters: PubMed 25205138 (cited by Labcorp Genetics (formerly Invitae), Labcorp).

NM_001164508.2(NEB):c.13173T>A (p.Tyr4391Ter)

Gene: NEB (nebulin; minus strand). Cytogenetic location: 2q23.3.
Variant type: single nucleotide variant.
Coding change: c.13173T>A on transcript NM_001164508.2 (MANE Select); coding-DNA position 13173, T replaced by A.
Protein change: p.Tyr4391Ter; replaces tyrosine 4391 with a stop codon.
Molecular consequence: nonsense. On other transcripts: intron variant (1).
Genome position (GRCh38, 1-based): chr2:151,603,659, A>T on the plus strand (T>A on the coding strand, the complement: NEB is on the minus strand). VCF-style: chr2-151603659-A-T. GRCh37 (hg19) VCF-style: chr2-152460173-A-T.
Other names: c.13173T>A, p.Tyr4391Ter (NM_001271208.2, NM_001164507.2); c.11601+6150T>A (NM_004543.5); c.13173T>A (NM_001271208.1); short protein forms Y4391*.
Identifiers: ClinVar variation 1069703 (VCV001069703.8), dbSNP rs2153930733, ClinGen allele CA348772208.
Genomic context (GRCh38, chr2:151,603,659, plus strand): 5'-CTGGATTACTTCCGGGGTGTCAACAATGCTGGTGAATTTGAGGGCCTCAGGCTTTATACG[A>T]TACAGCCTTTCATTCAAGAGATTCTGGGCATTCTTCACTCTCATCACTTCCACAGAACCC-3'